The following is an entry in ClinVar:

ClinVar aggregate classification (germline): Uncertain significance (1 of 4 stars; one submission).

Conditions:
Familial hemophagocytic lymphohistiocytosis 2 (FHL2). Also called: PRF1-Related Familial Hemophagocytic Lymphohistiocytosis (PRF1-fHLH). Identifiers: Orphanet 540, MedGen C1863727, MONDO:0011337, OMIM 603553.

Allele frequency attached by ClinVar (database versions not stated): gnomAD exomes below 0.00001.
gnomAD v4.1: 1 of 1,610,550 alleles (0.000062%); highest among the groups gnomAD compares: Non-Finnish European, 0.000085%; no homozygotes.

Submission:

Labcorp Genetics (formerly Invitae), Labcorp
Classification: Uncertain significance for Familial hemophagocytic lymphohistiocytosis 2. Last evaluated: 2024-05-08. Review status: criteria provided, single submitter. Criteria: Invitae Variant Classification Sherloc (09022015). Collection method: clinical testing. Allele origin: germline.
Comment: This sequence change replaces proline, which is neutral and non-polar, with serine, which is neutral and polar, at codon 22 of the PRF1 protein (p.Pro22Ser). This variant is not present in population databases (gnomAD no frequency). This variant has not been reported in the literature in individuals affected with PRF1-related conditions. ClinVar contains an entry for this variant (Variation ID: 1009979). Algorithms developed to predict the effect of missense changes on protein structure and function output the following: SIFT: "Not Available"; PolyPhen-2: "Possibly Damaging"; Align-GVGD: "Not Available". The serine amino acid residue is found in multiple mammalian species, which suggests that this missense change does not adversely affect protein function. In summary, the available evidence is currently insufficient to determine the role of this variant in disease. Therefore, it has been classified as a Variant of Uncertain Significance.

NM_001083116.3(PRF1):c.64C>T (p.Pro22Ser)

Gene: PRF1 (perforin 1; minus strand). Cytogenetic location: 10q22.1.
Variant type: single nucleotide variant.
Coding change: c.64C>T on transcript NM_001083116.3 (MANE Select); coding-DNA position 64, C replaced by T.
Protein change: p.Pro22Ser; replaces proline 22 with serine.
Molecular consequence: missense variant.
Genome position (GRCh38, 1-based): chr10:70,600,839, G>A on the plus strand (C>T on the coding strand, the complement: PRF1 is on the minus strand). VCF-style: chr10-70600839-G-A. GRCh37 (hg19) VCF-style: chr10-72360595-G-A.
Other names: c.64C>T, p.Pro22Ser (NM_005041.6); short protein forms P22S.
Identifiers: ClinVar variation 1009979 (VCV001009979.8), dbSNP rs1389748708, ClinGen allele CA376960167.